The following is an entry in ClinVar:

ClinVar aggregate classification (germline): Uncertain significance. Review status: criteria provided, multiple submitters, no conflicts (2 of 4 stars). 3 submissions from 3 submitters: Uncertain significance (3). Last evaluated 2025-06-16.

Conditions:
Phosphoenolpyruvate carboxykinase deficiency, mitochondrial. Also called: PCK2 DEFICIENCY; PEPCK2 DEFICIENCY. Identifiers: Orphanet 2880, MedGen C1849821, MONDO:0009864, OMIM 261650.

Allele frequency attached by ClinVar (database versions not stated): TOPMed 0.00009; 1000 Genomes Project 30x 0.00016; 1000 Genomes Project 0.00020.
gnomAD v4.1: 45 of 1,613,388 alleles (0.0028%); highest among the groups gnomAD compares: East Asian, 0.049%; no homozygotes.

Submissions (3):

Ambry Genetics
Classification: Uncertain significance. Last evaluated: 2025-06-16. Review status: criteria provided, single submitter. Criteria: Ambry Variant Classification Scheme 2023. Collection method: clinical testing. Allele origin: germline.

Labcorp Genetics (formerly Invitae), Labcorp
Classification: Uncertain significance. Last evaluated: 2022-07-11. Review status: criteria provided, single submitter. Criteria: Invitae Variant Classification Sherloc (09022015). Collection method: clinical testing. Allele origin: germline.
Comment: In summary, the available evidence is currently insufficient to determine the role of this variant in disease. Therefore, it has been classified as a Variant of Uncertain Significance. Algorithms developed to predict the effect of missense changes on protein structure and function (SIFT, PolyPhen-2, Align-GVGD) all suggest that this variant is likely to be disruptive. ClinVar contains an entry for this variant (Variation ID: 1032912). This variant has not been reported in the literature in individuals affected with PCK2-related conditions. This variant is present in population databases (rs201059299, gnomAD 0.06%), and has an allele count higher than expected for a pathogenic variant. This sequence change replaces arginine, which is basic and polar, with cysteine, which is neutral and slightly polar, at codon 53 of the PCK2 protein (p.Arg53Cys).

Baylor Genetics
Classification: Uncertain significance for Phosphoenolpyruvate carboxykinase deficiency, mitochondrial. Last evaluated: 2018-01-09. Review status: criteria provided, single submitter. Criteria: ACMG Guidelines, 2015. Collection method: clinical testing. Allele origin: paternal. Affected: yes.
Comment: This variant was determined to be of uncertain significance according to ACMG Guidelines, 2015 [PMID:25741868].

NM_004563.4(PCK2):c.157C>T (p.Arg53Cys)

Genes: NRL (neural retina leucine zipper; minus strand), PCK2 (phosphoenolpyruvate carboxykinase 2, mitochondrial; plus strand). Cytogenetic location: 14q11.2.
Variant type: single nucleotide variant.
Coding change: c.157C>T on transcript NM_004563.4 (MANE Select); coding-DNA position 157, C replaced by T.
Protein change: p.Arg53Cys; replaces arginine 53 with cysteine.
Molecular consequence: missense variant. On other transcripts: 5 prime UTR variant (1), intron variant (4).
Genome position (GRCh38, 1-based): chr14:24,097,019, C>T. VCF-style: chr14-24097019-C-T. GRCh37 (hg19) VCF-style: chr14-24566228-C-T.
Other names: c.157C>T, p.Arg53Cys (NM_001018073.3); c.-246C>T (NM_001308054.2); c.-27-14144G>A (NM_001354768.3, NM_001354770.2); c.-253-12274G>A (NM_006177.5); c.-127-1184C>T (NM_001291556.2); short protein forms R53C.
Identifiers: ClinVar variation 1032912 (VCV001032912.8), dbSNP rs201059299, ClinGen allele CA7123030.
Genomic context (GRCh38, chr14:24,097,019, plus strand): 5'-CTTAGTGGAGATCTGGGCCAGCTTCCCACTGGCATTCGAGATTTTGTAGAGCACAGTGCC[C>T]GCCTGTGCCAACCAGAGGGCATCCACATCTGTGATGGAACTGAGGCTGAGAATACTGCCA-3'
Protein context (NP_004554.3, residues 43-63): GIRDFVEHSA[Arg53Cys]LCQPEGIHIC